The following is an entry in ClinVar:

ClinVar aggregate classification (germline): Uncertain significance (1 of 4 stars; one submission).

Conditions:
Charcot-Marie-Tooth disease type 4. Also called: Charcot-Marie-Tooth disease, type IV; Charcot-Marie-Tooth, Type 4. Identifiers: Orphanet 64749, MedGen C4082197, MONDO:0018995.

Allele frequency attached by ClinVar (database versions not stated): gnomAD exomes 0.00002; TOPMed 0.00002; ExAC 0.00003; gnomAD 0.00003; 1000 Genomes Project 30x 0.00016; 1000 Genomes Project 0.00020.
gnomAD v4.1: 33 of 1,614,180 alleles (0.002%); highest among the groups gnomAD compares: Admixed American, 0.03%; no homozygotes.

Submission:

Labcorp Genetics (formerly Invitae), Labcorp
Classification: Uncertain significance for Charcot-Marie-Tooth disease type 4. Last evaluated: 2025-12-23. Review status: criteria provided, single submitter. Criteria: Invitae Variant Classification Sherloc (09022015). Collection method: clinical testing. Allele origin: germline.
Comment: This sequence change replaces leucine, which is neutral and non-polar, with valine, which is neutral and non-polar, at codon 672 of the FGD4 protein (p.Leu672Val). This variant is present in population databases (rs187012686, gnomAD 0.006%). This variant has not been reported in the literature in individuals affected with FGD4-related conditions. ClinVar contains an entry for this variant (Variation ID: 953234). Invitae Evidence Modeling of protein sequence and biophysical properties (such as structural, functional, and spatial information, amino acid conservation, physicochemical variation, residue mobility, and thermodynamic stability) indicates that this missense variant is not expected to disrupt FGD4 protein function with a negative predictive value of 80%. In summary, the available evidence is currently insufficient to determine the role of this variant in disease. Therefore, it has been classified as a Variant of Uncertain Significance.

NM_001370298.3(FGD4):c.2425C>G (p.Leu809Val)

Gene: FGD4 (FYVE, RhoGEF and PH domain containing 4; plus strand). Cytogenetic location: 12p11.21.
Variant type: single nucleotide variant.
Coding change: c.2425C>G on transcript NM_001370298.3 (MANE Select); coding-DNA position 2425, C replaced by G.
Protein change: p.Leu809Val; replaces leucine 809 with valine.
Molecular consequence: missense variant.
Genome position (GRCh38, 1-based): chr12:32,638,766, C>G. VCF-style: chr12-32638766-C-G. GRCh37 (hg19) VCF-style: chr12-32791700-C-G.
Other names: c.2269C>G, p.Leu757Val (NM_001304481.2); c.1270C>G, p.Leu424Val (NM_001304483.2); c.982C>G, p.Leu328Val (NM_001304484.2); c.1735C>G, p.Leu579Val (NM_001330373.2, NM_001330374.2, NM_001384130.1); c.1462C>G, p.Leu488Val (NM_001370297.1); c.2425C>G, p.Leu809Val (NM_001384126.1); c.2014C>G, p.Leu672Val (NM_001384127.1, NM_001384128.1, NM_001385118.1 and 1 more transcripts); short protein forms L579V, L488V, L757V, L328V, L424V, L672V, L809V.
Identifiers: ClinVar variation 953234 (VCV000953234.7), dbSNP rs187012686, ClinGen allele CA6507063.